The following is an entry in ClinVar:

ClinVar aggregate classification (germline): Likely benign (1 of 4 stars; one submission).

Allele frequency attached by ClinVar (database versions not stated): gnomAD exomes 0.00002 and 0.00003; ExAC 0.00004; gnomAD 0.00005 and 0.00006; TOPMed 0.00006; ESP Exome Variant Server 0.00015.
gnomAD v4.1: 34 of 1,611,954 alleles (0.0021%); highest among the groups gnomAD compares: South Asian, 0.015%; 1 homozygote.

Submission:

GeneDx
Classification: Likely benign. Last evaluated: 2018-02-13. Review status: criteria provided, single submitter. Criteria: GeneDx Variant Classification (06012015). Collection method: clinical testing. Allele origin: germline. Affected: yes.
Comment: This variant is considered likely benign or benign based on one or more of the following criteria: it is a conservative change, it occurs at a poorly conserved position in the protein, it is predicted to be benign by multiple in silico algorithms, and/or has population frequency not consistent with disease.

NM_004447.6(EPS8):c.737-4A>G

Gene: EPS8 (EGFR pathway substrate 8, signaling adaptor; minus strand). Cytogenetic location: 12p12.3.
Variant type: single nucleotide variant.
Coding change: c.737-4A>G on transcript NM_004447.6 (MANE Select); 4 bases into the intron before coding-DNA position 737, A replaced by G.
Molecular consequence: intron variant.
Genome position (GRCh38, 1-based): chr12:15,662,103, T>C on the plus strand (A>G on the coding strand, the complement: EPS8 is on the minus strand). VCF-style: chr12-15662103-T-C. GRCh37 (hg19) VCF-style: chr12-15815037-T-C.
Identifiers: ClinVar variation 515437 (VCV000515437.1), dbSNP rs373868384, ClinGen allele CA6467766.
Genomic context (GRCh38, chr12:15,662,103, plus strand): 5'-GGGCTGCCATCATCTCAGGTGTTTCTTCCTGCTCATGATACTGCCTTGGTTTCTCAACTA[T>C]AGAAAGGACAATCATAAGTCTTTCAATCTTTTACTCCCACAATACCAATACAGACAATTA-3'